The following is an entry in ClinVar:

NM_001260.3(CDK8):c.230_231del (p.Asn77fs)

Gene: CDK8 (cyclin dependent kinase 8; plus strand). Cytogenetic location: 13q12.13.
Variant type: Deletion.
Coding change: c.230_231del on transcript NM_001260.3 (MANE Select); coding-DNA positions 230 to 231, 2 bases deleted (AC; older notation c.230_231delAC).
Protein change: p.Asn77fs; shifts the reading frame from asparagine 77.
Molecular consequence: frameshift variant. On other transcripts: 5 prime UTR variant (1).
Genome position (GRCh38, 1-based): chr13:26,349,097-26,349,098, AC deleted. VCF-style (leftmost placement, unchanged base first): chr13-26349096-AAC-A. GRCh37 (hg19) VCF-style: chr13-26923233-AAC-A.
Other names: c.230_231del, p.Asn77fs (NM_001318368.2); c.-232_-231del (NM_001346501.2); short protein forms N77fs.
Identifiers: ClinVar variation 4281835 (VCV004281835.1).

ClinVar aggregate classification (germline): Uncertain significance (1 of 4 stars; one submission).

Submission:

GeneDx
Classification: Uncertain significance. Last evaluated: 2025-04-08. Review status: criteria provided, single submitter. Criteria: GeneDx Variant Classification Process June 2021. Collection method: clinical testing. Allele origin: germline. Affected: yes.
Comment: Not observed at significant frequency in large population cohorts (gnomAD); Frameshift variant predicted to result in protein truncation or nonsense mediated decay in a gene or region of a gene for which loss of function is not a well-established mechanism of disease; Has not been previously published as pathogenic or benign to our knowledge